The following is an entry in ClinVar:

ClinVar aggregate classification (germline): Uncertain significance (1 of 4 stars; one submission).

Conditions:
Nephronophthisis. Also called: Juvenile Nephronophthisis. Identifiers: Orphanet 655, MedGen C0687120, MONDO:0019005, HP:0000090.

Submission:

Labcorp Genetics (formerly Invitae), Labcorp
Classification: Uncertain significance for Nephronophthisis. Last evaluated: 2022-01-13. Review status: criteria provided, single submitter. Criteria: Invitae Variant Classification Sherloc (09022015). Collection method: clinical testing. Allele origin: germline.
Comment: In summary, the available evidence is currently insufficient to determine the role of this variant in disease. Therefore, it has been classified as a Variant of Uncertain Significance. Algorithms developed to predict the effect of missense changes on protein structure and function output the following: SIFT: "Tolerated"; PolyPhen-2: "Benign"; Align-GVGD: "Class C0". The serine amino acid residue is found in multiple mammalian species, which suggests that this missense change does not adversely affect protein function. ClinVar contains an entry for this variant (Variation ID: 946385). This variant has not been reported in the literature in individuals affected with NPHP4-related conditions. This variant is not present in population databases (gnomAD no frequency). This sequence change replaces arginine, which is basic and polar, with serine, which is neutral and polar, at codon 404 of the NPHP4 protein (p.Arg404Ser).

NM_015102.5(NPHP4):c.1212G>T (p.Arg404Ser)

Gene: NPHP4 (nephrocystin 4; minus strand). Cytogenetic location: 1p36.31.
Variant type: single nucleotide variant.
Coding change: c.1212G>T on transcript NM_015102.5 (MANE Select); coding-DNA position 1212, G replaced by T.
Protein change: p.Arg404Ser; replaces arginine 404 with serine.
Molecular consequence: missense variant. On other transcripts: 5 prime UTR variant (2), non-coding transcript variant (1).
Genome position (GRCh38, 1-based): chr1:5,933,237, C>A on the plus strand (G>T on the coding strand, the complement: NPHP4 is on the minus strand). VCF-style: chr1-5933237-C-A. GRCh37 (hg19) VCF-style: chr1-5993297-C-A.
Other names: c.-155G>T (NM_001291593.2, NM_001291594.2); short protein forms R404S.
Identifiers: ClinVar variation 946385 (VCV000946385.9), dbSNP rs1646368963, ClinGen allele CA338061399.